The following is an entry in ClinVar:

ClinVar aggregate classification (germline): Benign (1 of 4 stars; one submission).

Conditions:
Hereditary diffuse gastric adenocarcinoma (HDGC). Also called: DIFFUSE GASTRIC AND LOBULAR BREAST CANCER SYNDROME. Identifiers: Orphanet 26106, MedGen C1708349, MONDO:0007648, OMIM 137215.

Submission:

Myriad Genetics, Inc.
Classification: Benign for Hereditary diffuse gastric adenocarcinoma. Last evaluated: 2024-09-11. Review status: criteria provided, single submitter. Criteria: Myriad Autosomal Dominant, Autosomal Recessive and X-Linked Classification Criteria (2023). Collection method: clinical testing. Allele origin: unknown.
Comment: This variant is considered benign. This variant is a silent/synonymous amino acid change and it is not expected to impact splicing.

NM_004360.5(CDH1):c.114G>T (p.Thr38=)

Gene: CDH1 (cadherin 1; plus strand). Cytogenetic location: 16q22.1.
Variant type: single nucleotide variant.
Coding change: c.114G>T on transcript NM_004360.5 (MANE Select); coding-DNA position 114, G replaced by T.
Protein change: p.Thr38=; no amino-acid change (threonine 38 retained).
Molecular consequence: synonymous variant. On other transcripts: 5 prime UTR variant (2).
Genome position (GRCh38, 1-based): chr16:68,738,362, G>T. VCF-style: chr16-68738362-G-T. GRCh37 (hg19) VCF-style: chr16-68772265-G-T.
Other names: c.114G>T, p.Thr38= (NM_001317184.2); c.-1502G>T (NM_001317185.2); c.-1706G>T (NM_001317186.2).
Identifiers: ClinVar variation 3378850 (VCV003378850.1).